The following is an entry in ClinVar:

NM_001242957.3(MAK):c.1560C>T (p.Pro520=)

Gene: MAK (male germ cell associated kinase; minus strand). Cytogenetic location: 6p24.2.
Variant type: single nucleotide variant.
Coding change: c.1560C>T on transcript NM_001242957.3 (MANE Select); coding-DNA position 1560, C replaced by T.
Protein change: p.Pro520=; no amino-acid change (proline 520 retained).
Molecular consequence: synonymous variant. On other transcripts: non-coding transcript variant (2).
Genome position (GRCh38, 1-based): chr6:10,775,365, G>A on the plus strand (C>T on the coding strand, the complement: MAK is on the minus strand). VCF-style: chr6-10775365-G-A. GRCh37 (hg19) VCF-style: chr6-10775598-G-A.
Other names: c.1560C>T, p.Pro520= (NM_001242385.2, NM_005906.6); c.1458C>T, p.Pro486= (NM_001377262.1); c.1560C>T (NM_001242957.2).
Identifiers: ClinVar variation 1093858 (VCV001093858.11), dbSNP rs756785609, ClinGen allele CA3633401.

ClinVar aggregate classification (germline): Likely benign. Review status: criteria provided, multiple submitters, no conflicts (2 of 4 stars). 3 submissions from 3 submitters: Likely benign (3). Last evaluated 2026-02-13.

Conditions:
MAK-related disorder. Also called: MAK-related condition.

Allele frequency attached by ClinVar (database versions not stated): TOPMed below 0.00001; gnomAD 0.00001; gnomAD exomes 0.00001 and 0.00002; ExAC 0.00002.
gnomAD v4.1: 23 of 1,613,712 alleles (0.0014%); highest among the groups gnomAD compares: South Asian, 0.0033%; no homozygotes.

Submissions (3):

PreventionGenetics, part of Exact Sciences
Classification: Likely benign for MAK-related condition. Last evaluated: 2026-02-13. Review status: criteria provided, single submitter. Criteria: ACMG Guidelines, 2015. Collection method: clinical testing. Allele origin: germline.
Comment: This variant is classified as likely benign based on ACMG/AMP sequence variant interpretation guidelines (Richards et al. 2015 PMID: 25741868, with internal and published modifications).

Labcorp Genetics (formerly Invitae), Labcorp
Classification: Likely benign. Last evaluated: 2025-11-24. Review status: criteria provided, single submitter. Criteria: Invitae Variant Classification Sherloc (09022015). Collection method: clinical testing. Allele origin: germline.

Blueprint Genetics
Classification: Likely benign. Last evaluated: 2024-08-12. Review status: criteria provided, single submitter. Criteria: ACMG Guidelines, 2015. Collection method: clinical testing. Allele origin: germline.